The following is an entry in ClinVar:

NM_001267550.2(TTN):c.18249T>C (p.Ile6083=)

Genes: TTN (titin; minus strand), LOC126806430 (BRD4-independent group 4 enhancer GRCh37_chr2:179593794-179594993; plus strand). Cytogenetic location: 2q31.2.
Variant type: single nucleotide variant.
Coding change: c.18249T>C on transcript NM_001267550.2 (MANE Select); coding-DNA position 18249, T replaced by C.
Protein change: p.Ile6083=; no amino-acid change (isoleucine 6083 retained).
Molecular consequence: synonymous variant. On other transcripts: intron variant (3).
Genome position (GRCh38, 1-based): chr2:178,730,151, A>G on the plus strand (T>C on the coding strand, the complement: TTN is on the minus strand). VCF-style: chr2-178730151-A-G. GRCh37 (hg19) VCF-style: chr2-179594878-A-G.
Other names: c.17298T>C, p.Ile5766= (NM_001256850.1); c.14517T>C, p.Ile4839= (NM_133378.4); c.13282+7931T>C (NM_003319.4); c.13858+7931T>C (NM_133437.4); c.13657+7931T>C (NM_133432.3).
Identifiers: ClinVar variation 387398 (VCV000387398.9), dbSNP rs1057522780, ClinGen allele CA16604039.
Genomic context (GRCh38, chr2:178,730,151, plus strand): 5'-ACCTTTTACAAAGAGAGTGGCTTTGCTGGTTGCTGTGCCAACATCATTGCTTAGTTGGCA[A>G]ATGTAGGTTCCAGAATCGGTAGCTTTGGCTGCAAAGAGCTCTAGACTGGTAGAGGTGTCA-3'
Protein context (NP_001254479.2, residues 6073-6093): AAKATDSGTY[Ile6083=]CQLSNDVGTA

ClinVar aggregate classification (germline): Likely benign. Review status: criteria provided, multiple submitters, no conflicts (2 of 4 stars). 2 submissions from 2 submitters: Likely benign (2). Last evaluated 2022-03-18.

Conditions:
Dilated cardiomyopathy 1G (CMD1G). Identifiers: Orphanet 154, MedGen C1858763, MONDO:0011400, OMIM 604145.
Autosomal recessive limb-girdle muscular dystrophy type 2J (LGMDR10). Also called: MUSCULAR DYSTROPHY, LIMB-GIRDLE, AUTOSOMAL RECESSIVE 10; Limb-girdle muscular dystrophy, type 2J. Identifiers: Orphanet 140922, MedGen C1837342, MONDO:0012127, OMIM 608807.

Allele frequency attached by ClinVar (database versions not stated): gnomAD exomes below 0.00001.
gnomAD v4.1: 1 of 1,613,380 alleles (0.000062%); highest among the groups gnomAD compares: South Asian, 0.0011%; no homozygotes.

Submissions (2):

Labcorp Genetics (formerly Invitae), Labcorp
Classification: Likely benign for Dilated cardiomyopathy 1G; Autosomal recessive limb-girdle muscular dystrophy type 2J. Last evaluated: 2022-03-18. Review status: criteria provided, single submitter. Criteria: Invitae Variant Classification Sherloc (09022015). Collection method: clinical testing. Allele origin: germline.

GeneDx
Classification: Likely benign. Last evaluated: 2016-07-07. Review status: criteria provided, single submitter. Criteria: GeneDx Variant Classification (06012015). Collection method: clinical testing. Allele origin: germline. Affected: yes.
Comment: This variant is considered likely benign or benign based on one or more of the following criteria: it is a conservative change, it occurs at a poorly conserved position in the protein, it is predicted to be benign by multiple in silico algorithms, and/or has population frequency not consistent with disease.